The following is an entry in ClinVar:

NM_006947.4(SRP72):c.793G>A (p.Val265Ile)

Gene: SRP72 (signal recognition particle 72; plus strand). Cytogenetic location: 4q12.
Variant type: single nucleotide variant.
Coding change: c.793G>A on transcript NM_006947.4 (MANE Select); coding-DNA position 793, G replaced by A.
Protein change: p.Val265Ile; replaces valine 265 with isoleucine.
Molecular consequence: missense variant. On other transcripts: non-coding transcript variant (1), intron variant (1).
Genome position (GRCh38, 1-based): chr4:56,478,617, G>A. VCF-style: chr4-56478617-G-A. GRCh37 (hg19) VCF-style: chr4-57344783-G-A.
Other names: c.642+1915G>A (NM_001267722.2); short protein forms V265I.
Identifiers: ClinVar variation 3610366 (VCV003610366.2).
Genomic context (GRCh38, chr4:56,478,617, plus strand): 5'-TTTGTTTGGTTTTGACTGTTGCTTGTTGTTCACAGACCAACAGATGTGGGATTACTAGCT[G>A]TAATTGCAAATAACATCATTACCATTAACAAGGTATGGAGTATTTGTGCTTTCCATAGAT-3'
Protein context (NP_008878.3, residues 255-275): LKPTDVGLLA[Val265Ile]IANNIITINK

ClinVar aggregate classification (germline): Uncertain significance (1 of 4 stars; one submission).

gnomAD v4.1: 10 of 1,613,960 alleles (0.00062%); highest among the groups gnomAD compares: Middle Eastern, 0.017%; no homozygotes.

Submission:

Labcorp Genetics (formerly Invitae), Labcorp
Classification: Uncertain significance. Last evaluated: 2025-05-01. Review status: criteria provided, single submitter. Criteria: Invitae Variant Classification Sherloc (09022015). Collection method: clinical testing. Allele origin: germline.
Comment: This sequence change replaces valine, which is neutral and non-polar, with isoleucine, which is neutral and non-polar, at codon 265 of the SRP72 protein (p.Val265Ile). This variant is present in population databases (rs756512943, gnomAD 0.003%). This variant has not been reported in the literature in individuals affected with SRP72-related conditions. ClinVar contains an entry for this variant (Variation ID: 3610366). Invitae Evidence Modeling of protein sequence and biophysical properties (such as structural, functional, and spatial information, amino acid conservation, physicochemical variation, residue mobility, and thermodynamic stability) indicates that this missense variant is not expected to disrupt SRP72 protein function with a negative predictive value of 80%. In summary, the available evidence is currently insufficient to determine the role of this variant in disease. Therefore, it has been classified as a Variant of Uncertain Significance.